The following is an entry in ClinVar:

ClinVar aggregate classification (germline): Uncertain significance. Review status: criteria provided, multiple submitters, no conflicts (2 of 4 stars). 2 submissions from 2 submitters: Uncertain significance (2). Last evaluated 2026-01-29.

Conditions:
Mitochondrial complex II deficiency, nuclear type 1. Also called: SUCCINATE CoQ REDUCTASE DEFICIENCY. Identifiers: Orphanet 3208, MedGen C5700310, MONDO:0100294, OMIM 252011.
Pheochromocytoma/paraganglioma syndrome 5. Also called: Paragangliomas 5; SDHA-Related Hereditary Paraganglioma-Pheochromocytoma Syndrome. Identifiers: Orphanet 29072, MedGen C3279992, MONDO:0013602, OMIM 614165.
Hereditary cancer-predisposing syndrome. Also called: Neoplastic Syndromes, Hereditary; Tumor predisposition; Hereditary Cancer Syndrome; Hereditary neoplastic syndrome. Identifiers: Orphanet 140162, MedGen C0027672, MeSH D009386, MONDO:0015356.

Submissions (2):

Ambry Genetics
Classification: Uncertain significance for Hereditary cancer-predisposing syndrome. Last evaluated: 2026-01-29. Review status: criteria provided, single submitter. Criteria: Ambry Variant Classification Scheme 2023. Collection method: clinical testing. Allele origin: germline.
Comment: The p.P399T variant (also known as c.1195C>A), located in coding exon 9 of the SDHA gene, results from a C to A substitution at nucleotide position 1195. The proline at codon 399 is replaced by threonine, an amino acid with highly similar properties. This amino acid position is highly conserved in available vertebrate species. In addition, this alteration is predicted to be deleterious by in silico analysis. Based on the available evidence, the clinical significance of this variant remains unclear.

Labcorp Genetics (formerly Invitae), Labcorp
Classification: Uncertain significance for Pheochromocytoma/paraganglioma syndrome 5; Mitochondrial complex II deficiency, nuclear type 1. Last evaluated: 2025-04-08. Review status: criteria provided, single submitter. Criteria: Invitae Variant Classification Sherloc (09022015). Collection method: clinical testing. Allele origin: germline.
Comment: This sequence change replaces proline, which is neutral and non-polar, with threonine, which is neutral and polar, at codon 399 of the SDHA protein (p.Pro399Thr). This variant is not present in population databases (gnomAD no frequency). This variant has not been reported in the literature in individuals affected with SDHA-related conditions. ClinVar contains an entry for this variant (Variation ID: 2567091). Invitae Evidence Modeling of protein sequence and biophysical properties (such as structural, functional, and spatial information, amino acid conservation, physicochemical variation, residue mobility, and thermodynamic stability) has been performed for this missense variant. However, the output from this modeling did not meet the statistical confidence thresholds required to predict the impact of this variant on SDHA protein function. In summary, the available evidence is currently insufficient to determine the role of this variant in disease. Therefore, it has been classified as a Variant of Uncertain Significance.

NM_004168.4(SDHA):c.1195C>A (p.Pro399Thr)

Gene: SDHA (succinate dehydrogenase complex flavoprotein subunit A; plus strand). Cytogenetic location: 5p15.33.
Variant type: single nucleotide variant.
Coding change: c.1195C>A on transcript NM_004168.4 (MANE Select); coding-DNA position 1195, C replaced by A.
Protein change: p.Pro399Thr; replaces proline 399 with threonine.
Molecular consequence: missense variant.
Genome position (GRCh38, 1-based): chr5:235,274, C>A. VCF-style: chr5-235274-C-A. GRCh37 (hg19) VCF-style: chr5-235389-C-A.
Other names: c.1051C>A, p.Pro351Thr (NM_001294332.2); c.1195C>A, p.Pro399Thr (NM_001330758.2); short protein forms P351T, P399T.
Identifiers: ClinVar variation 2567091 (VCV002567091.6), dbSNP rs2126585242, ClinGen allele CA359013645.